The following is an entry in ClinVar:

NM_001844.5(COL2A1):c.4232T>C (p.Leu1411Pro)

Gene: COL2A1 (collagen type II alpha 1 chain; minus strand). Cytogenetic location: 12q13.11.
Variant type: single nucleotide variant.
Coding change: c.4232T>C on transcript NM_001844.5 (MANE Select); coding-DNA position 4232, T replaced by C.
Protein change: p.Leu1411Pro; replaces leucine 1411 with proline.
Molecular consequence: missense variant.
Genome position (GRCh38, 1-based): chr12:47,974,174, A>G on the plus strand (T>C on the coding strand, the complement: COL2A1 is on the minus strand). VCF-style: chr12-47974174-A-G. GRCh37 (hg19) VCF-style: chr12-48367957-A-G.
Other names: c.4025T>C, p.Leu1342Pro (NM_033150.3); short protein forms L1411P, L1342P.
Identifiers: ClinVar variation 1485207 (VCV001485207.8), dbSNP rs2136505266, ClinGen allele CA384533572.

ClinVar aggregate classification (germline): Uncertain significance (1 of 4 stars; one submission).

Submission:

Labcorp Genetics (formerly Invitae), Labcorp
Classification: Uncertain significance. Last evaluated: 2021-04-06. Review status: criteria provided, single submitter. Criteria: Invitae Variant Classification Sherloc (09022015). Collection method: clinical testing. Allele origin: germline.
Comment: In summary, the available evidence is currently insufficient to determine the role of this variant in disease. Therefore, it has been classified as a Variant of Uncertain Significance. Algorithms developed to predict the effect of missense changes on protein structure and function are either unavailable or do not agree on the potential impact of this missense change (SIFT: "Deleterious"; PolyPhen-2: "Not Available"; Align-GVGD: "Class C25"). This variant has not been reported in the literature in individuals with COL2A1-related conditions. This variant is not present in population databases (ExAC no frequency). This sequence change replaces leucine with proline at codon 1411 of the COL2A1 protein (p.Leu1411Pro). The leucine residue is moderately conserved and there is a moderate physicochemical difference between leucine and proline.